The following is an entry in ClinVar:

NM_000180.4(GUCY2D):c.3179G>A (p.Arg1060His)

Gene: GUCY2D (guanylate cyclase 2D, retinal; plus strand). Cytogenetic location: 17p13.1.
Variant type: single nucleotide variant.
Coding change: c.3179G>A on transcript NM_000180.4 (MANE Select); coding-DNA position 3179, G replaced by A.
Protein change: p.Arg1060His; replaces arginine 1060 with histidine.
Molecular consequence: missense variant.
Genome position (GRCh38, 1-based): chr17:8,016,245, G>A. VCF-style: chr17-8016245-G-A. GRCh37 (hg19) VCF-style: chr17-7919563-G-A.
Other names: c.3179G>A (NM_000180.3); short protein forms R1060H.
Identifiers: ClinVar variation 1362824 (VCV001362824.6), dbSNP rs563091520, ClinGen allele CA8366337.

ClinVar aggregate classification (germline): Uncertain significance. Review status: criteria provided, multiple submitters, no conflicts (2 of 4 stars). 2 submissions from 2 submitters: Uncertain significance (2). Last evaluated 2025-01-06.

Conditions:
Inborn genetic diseases. Identifiers: MedGen C0950123, MeSH D030342.
Cone-rod dystrophy 6 (CORD6). Also called: Cone dystrophy progressive; RETINAL CONE DYSTROPHY 2. Identifiers: Orphanet 1872, MedGen C1866293, MONDO:0011143, OMIM 601777.
Leber congenital amaurosis 1 (LCA1). Also called: AMAUROSIS CONGENITA OF LEBER I; RETINAL BLINDNESS, CONGENITAL; Congenital absence of the rods and cones; Leber's congenital tapetoretinal degeneration; Leber's congenital tapetoretinal dysplasia. Identifiers: Orphanet 65, MedGen C2931258, MONDO:0008764, OMIM 204000.

Allele frequency attached by ClinVar (database versions not stated): TOPMed below 0.00001; gnomAD 0.00001; gnomAD exomes 0.00001; 1000 Genomes Project 30x 0.00016; 1000 Genomes Project 0.00020.

Submissions (2):

Labcorp Genetics (formerly Invitae), Labcorp
Classification: Uncertain significance for Leber congenital amaurosis 1; Cone-rod dystrophy 6. Last evaluated: 2025-01-06. Review status: criteria provided, single submitter. Criteria: Invitae Variant Classification Sherloc (09022015). Collection method: clinical testing. Allele origin: germline.
Comment: This sequence change replaces arginine, which is basic and polar, with histidine, which is basic and polar, at codon 1060 of the GUCY2D protein (p.Arg1060His). The frequency data for this variant in the population databases is considered unreliable, as metrics indicate poor data quality at this position in the gnomAD database. This variant has not been reported in the literature in individuals affected with GUCY2D-related conditions. ClinVar contains an entry for this variant (Variation ID: 1362824). Invitae Evidence Modeling of protein sequence and biophysical properties (such as structural, functional, and spatial information, amino acid conservation, physicochemical variation, residue mobility, and thermodynamic stability) indicates that this missense variant is not expected to disrupt GUCY2D protein function with a negative predictive value of 80%. In summary, the available evidence is currently insufficient to determine the role of this variant in disease. Therefore, it has been classified as a Variant of Uncertain Significance.

Ambry Genetics
Classification: Uncertain significance for Inborn genetic diseases. Last evaluated: 2023-08-04. Review status: criteria provided, single submitter. Criteria: Ambry Variant Classification Scheme 2023. Collection method: clinical testing. Allele origin: germline.